The following is an entry in ClinVar:

NM_004100.5(EYA4):c.1675G>T (p.Val559Phe)

Genes: EYA4 (EYA transcriptional coactivator and phosphatase 4; plus strand), TARID (TCF21 antisense RNA inducing promoter demethylation; minus strand). Cytogenetic location: 6q23.2.
Variant type: single nucleotide variant.
Coding change: c.1675G>T on transcript NM_004100.5 (MANE Select); coding-DNA position 1675, G replaced by T.
Protein change: p.Val559Phe; replaces valine 559 with phenylalanine.
Molecular consequence: missense variant.
Genome position (GRCh38, 1-based): chr6:133,523,114, G>T. VCF-style: chr6-133523114-G-T. GRCh37 (hg19) VCF-style: chr6-133844252-G-T.
Other names: c.1513G>T, p.Val505Phe (NM_001301012.2); c.1693G>T, p.Val565Phe (NM_001301013.2); c.1606G>T, p.Val536Phe (NM_001370458.1, NM_172103.4); c.1531G>T, p.Val511Phe (NM_001370459.1); c.1675G>T, p.Val559Phe (NM_172105.4); short protein forms V505F, V511F, V536F, V559F, V565F.
Identifiers: ClinVar variation 1721983 (VCV001721983.5), dbSNP rs2535498462, ClinGen allele CA365698623.

ClinVar aggregate classification (germline): Uncertain significance (1 of 4 stars; one submission).

Conditions:
Dilated cardiomyopathy 1J (CMD1J). Also called: CARDIOMYOPATHY, DILATED, WITH SENSORINEURAL HEARING LOSS, AUTOSOMAL DOMINANT. Identifiers: Orphanet 217622, MedGen C1854368, MONDO:0011541, OMIM 605362.

Allele frequency attached by ClinVar (database versions not stated): gnomAD exomes below 0.00001.
gnomAD v4.1: 1 of 1,612,252 alleles (0.000062%); highest among the groups gnomAD compares: Non-Finnish European, 0.000085%; no homozygotes.

Submission:

Labcorp Genetics (formerly Invitae), Labcorp
Classification: Uncertain significance for Dilated cardiomyopathy 1J. Last evaluated: 2025-04-26. Review status: criteria provided, single submitter. Criteria: Invitae Variant Classification Sherloc (09022015). Collection method: clinical testing. Allele origin: germline.
Comment: This sequence change replaces valine, which is neutral and non-polar, with phenylalanine, which is neutral and non-polar, at codon 559 of the EYA4 protein (p.Val559Phe). This variant is not present in population databases (gnomAD no frequency). This missense change has been observed in individual(s) with hearing loss (internal data). It has also been observed to segregate with disease in related individuals. ClinVar contains an entry for this variant (Variation ID: 1721983). Invitae Evidence Modeling of protein sequence and biophysical properties (such as structural, functional, and spatial information, amino acid conservation, physicochemical variation, residue mobility, and thermodynamic stability) indicates that this missense variant is expected to disrupt EYA4 protein function with a positive predictive value of 80%. In summary, the available evidence is currently insufficient to determine the role of this variant in disease. Therefore, it has been classified as a Variant of Uncertain Significance.